The following is an entry in ClinVar:

NM_032387.5(WNK4):c.1694A>C (p.Gln565Pro)

Gene: WNK4 (WNK lysine deficient protein kinase 4; plus strand). Cytogenetic location: 17q21.2.
Variant type: single nucleotide variant.
Coding change: c.1694A>C on transcript NM_032387.5 (MANE Select); coding-DNA position 1694, A replaced by C.
Protein change: p.Gln565Pro; replaces glutamine 565 with proline.
Molecular consequence: missense variant.
Genome position (GRCh38, 1-based): chr17:42,787,495, A>C. VCF-style: chr17-42787495-A-C. GRCh37 (hg19) VCF-style: chr17-40939513-A-C.
Other names: c.686A>C, p.Gln229Pro (NM_001321299.2); short protein forms Q229P, Q565P.
Identifiers: ClinVar variation 2747931 (VCV002747931.3), dbSNP rs2054563106, ClinGen allele CA399657508.

ClinVar aggregate classification (germline): Uncertain significance (1 of 4 stars; one submission).

Submission:

Labcorp Genetics (formerly Invitae), Labcorp
Classification: Uncertain significance. Last evaluated: 2023-07-28. Review status: criteria provided, single submitter. Criteria: Invitae Variant Classification Sherloc (09022015). Collection method: clinical testing. Allele origin: germline.
Comment: Advanced modeling of protein sequence and biophysical properties (such as structural, functional, and spatial information, amino acid conservation, physicochemical variation, residue mobility, and thermodynamic stability) performed at Invitae indicates that this missense variant is not expected to disrupt WNK4 protein function. This sequence change replaces glutamine, which is neutral and polar, with proline, which is neutral and non-polar, at codon 565 of the WNK4 protein (p.Gln565Pro). This variant is not present in population databases (gnomAD no frequency). This variant has not been reported in the literature in individuals affected with WNK4-related conditions. This variant disrupts the p.Gln565 amino acid residue in WNK4. Other variant(s) that disrupt this residue have been determined to be pathogenic (PMID: 15292344). This suggests that this residue is clinically significant, and that variants that disrupt this residue are likely to be disease-causing. In summary, the available evidence is currently insufficient to determine the role of this variant in disease. Therefore, it has been classified as a Variant of Uncertain Significance.

Literature cited by the submitters: PubMed 15292344.